The following is an entry in ClinVar:

ClinVar aggregate classification (germline): Benign (0 of 4 stars; one submission).

Conditions:
DAGLA-related disorder. Also called: DAGLA-related condition.

Allele frequency attached by ClinVar (database versions not stated): 1000 Genomes Project 30x 0.00640; 1000 Genomes Project 0.00719; TOPMed 0.00904; ESP Exome Variant Server 0.00923; gnomAD 0.01030; ExAC 0.01176; gnomAD exomes 0.01205.
gnomAD v4.1: 19,216 of 1,612,576 alleles (1.2%); highest among the groups gnomAD compares: Middle Eastern, 2%; 166 homozygotes.

Submission:

PreventionGenetics, part of Exact Sciences
Classification: Benign for DAGLA-related condition. Last evaluated: 2019-12-18. Review status: no assertion criteria provided. Collection method: clinical testing. Allele origin: germline.
Comment: This variant is classified as benign based on ACMG/AMP sequence variant interpretation guidelines (Richards et al. 2015 PMID: 25741868, with internal and published modifications).

NM_006133.3(DAGLA):c.2439G>A (p.Leu813=)

Gene: DAGLA (diacylglycerol lipase alpha; plus strand). Cytogenetic location: 11q12.2.
Variant type: single nucleotide variant.
Coding change: c.2439G>A on transcript NM_006133.3 (MANE Select); coding-DNA position 2439, G replaced by A.
Protein change: p.Leu813=; no amino-acid change (leucine 813 retained).
Molecular consequence: synonymous variant.
Genome position (GRCh38, 1-based): chr11:61,743,799, G>A. VCF-style: chr11-61743799-G-A. GRCh37 (hg19) VCF-style: chr11-61511271-G-A.
Identifiers: ClinVar variation 3041620 (VCV003041620.2), dbSNP rs34365114, ClinGen allele CA6037193.